The following is an entry in ClinVar:

NM_017654.4(SAMD9):c.4520A>T (p.Asp1507Val)

Gene: SAMD9 (sterile alpha motif domain containing 9; minus strand). Cytogenetic location: 7q21.2.
Variant type: single nucleotide variant.
Coding change: c.4520A>T on transcript NM_017654.4 (MANE Select); coding-DNA position 4520, A replaced by T.
Protein change: p.Asp1507Val; replaces aspartic acid 1507 with valine.
Molecular consequence: missense variant.
Genome position (GRCh38, 1-based): chr7:93,101,578, T>A on the plus strand (A>T on the coding strand, the complement: SAMD9 is on the minus strand). VCF-style: chr7-93101578-T-A. GRCh37 (hg19) VCF-style: chr7-92730891-T-A.
Other names: c.4520A>T, p.Asp1507Val (NM_001193307.2); short protein forms D1507V.
Identifiers: ClinVar variation 4159199 (VCV004159199.1).

ClinVar aggregate classification (germline): Uncertain significance (1 of 4 stars; one submission).

Conditions:
Inborn genetic diseases. Identifiers: MedGen C0950123, MeSH D030342.

gnomAD v4.1: 1 of 1,613,892 alleles (0.000062%); highest among the groups gnomAD compares: Non-Finnish European, 0.000085%; no homozygotes.

Submission:

Ambry Genetics
Classification: Uncertain significance for Inborn genetic diseases. Last evaluated: 2025-09-01. Review status: criteria provided, single submitter. Criteria: Ambry Variant Classification Scheme 2023. Collection method: clinical testing. Allele origin: germline.
Comment: The p.D1507V variant (also known as c.4520A>T), located in coding exon 1 of the SAMD9 gene, results from an A to T substitution at nucleotide position 4520. The aspartic acid at codon 1507 is replaced by valine, an amino acid with highly dissimilar properties. This amino acid position is conserved. In addition, this alteration is predicted to be tolerated by in silico analysis. Based on the available evidence, the clinical significance of this variant remains unclear.